The following is an entry in ClinVar:

NM_152703.5(SAMD9L):c.368C>T (p.Pro123Leu)

Gene: SAMD9L (sterile alpha motif domain containing 9 like; minus strand). Cytogenetic location: 7q21.2.
Variant type: single nucleotide variant.
Coding change: c.368C>T on transcript NM_152703.5 (MANE Select); coding-DNA position 368, C replaced by T.
Protein change: p.Pro123Leu; replaces proline 123 with leucine.
Molecular consequence: missense variant.
Genome position (GRCh38, 1-based): chr7:93,135,604, G>A on the plus strand (C>T on the coding strand, the complement: SAMD9L is on the minus strand). VCF-style: chr7-93135604-G-A. GRCh37 (hg19) VCF-style: chr7-92764917-G-A.
Other names: p.Pro123Leu; c.368C>T, p.Pro123Leu (NM_001303496.3, NM_001303497.3, NM_001303498.3 and 5 more transcripts); short protein forms P123L.
Identifiers: ClinVar variation 1167034 (VCV001167034.15), dbSNP rs148147724, ClinGen allele CA4343884.

ClinVar aggregate classification (germline): Benign/Likely benign. Review status: criteria provided, multiple submitters, no conflicts (2 of 4 stars). 4 submissions from 4 submitters: Benign (1); Likely benign (3). Last evaluated 2026-02-01.

Allele frequency attached by ClinVar (database versions not stated): ExAC 0.00013; 1000 Genomes Project 30x 0.00016; 1000 Genomes Project 0.00020; ESP Exome Variant Server 0.00046; gnomAD 0.00056 and 0.00060; TOPMed 0.00062.
gnomAD v4.1: 140 of 1,613,698 alleles (0.0087%); highest among the groups gnomAD compares: African/African-American, 0.17%; 1 homozygote.

Submissions (4):

Labcorp Genetics (formerly Invitae), Labcorp
Classification: Benign. Last evaluated: 2026-02-01. Review status: criteria provided, single submitter. Criteria: Invitae Variant Classification Sherloc (09022015). Collection method: clinical testing. Allele origin: germline.

Mayo Clinic Laboratories, Mayo Clinic
Classification: Likely benign. Last evaluated: 2025-05-29. Review status: criteria provided, single submitter. Criteria: ACMG Guidelines, 2015. Collection method: clinical testing. Allele origin: germline. Observed: 2 variant alleles.
Comment: BS1, BP4_moderate

Blueprint Genetics
Classification: Likely benign. Last evaluated: 2024-09-04. Review status: criteria provided, single submitter. Criteria: ACMG Guidelines, 2015. Collection method: clinical testing. Allele origin: germline.

Genetic Services Laboratory, University of Chicago
Classification: Likely benign. Last evaluated: 2018-12-04. Review status: criteria provided, single submitter. Criteria: ACMG Guidelines, 2015. Collection method: clinical testing. Allele origin: germline. Affected: no.